The following is an entry in ClinVar:

NM_001098816.3(TENM4):c.8083C>T (p.Arg2695Trp)

Gene: TENM4 (teneurin transmembrane protein 4; minus strand). Cytogenetic location: 11q14.1.
Variant type: single nucleotide variant.
Coding change: c.8083C>T on transcript NM_001098816.3 (MANE Select); coding-DNA position 8083, C replaced by T.
Protein change: p.Arg2695Trp; replaces arginine 2695 with tryptophan.
Molecular consequence: missense variant.
Genome position (GRCh38, 1-based): chr11:78,658,285, G>A on the plus strand (C>T on the coding strand, the complement: TENM4 is on the minus strand). VCF-style: chr11-78658285-G-A. GRCh37 (hg19) VCF-style: chr11-78369330-G-A.
Other names: short protein forms R2695W.
Identifiers: ClinVar variation 4979025 (VCV004979025.1).

ClinVar aggregate classification (germline): Uncertain significance (1 of 4 stars; one submission).

Conditions:
TENM4-related disorder. Also called: TENM4-related condition.

gnomAD v4.1: 7 of 1,612,716 alleles (0.00043%); highest among the groups gnomAD compares: Middle Eastern, 0.017%; no homozygotes.

Submission:

PreventionGenetics, part of Exact Sciences
Classification: Uncertain significance for TENM4-related condition. Last evaluated: 2024-12-10. Review status: criteria provided, single submitter. Criteria: ACMG Guidelines, 2015. Collection method: clinical testing. Allele origin: germline.
Comment: The TENM4 c.8083C>T variant is predicted to result in the amino acid substitution p.Arg2695Trp. To our knowledge, this variant has not been reported in the literature. This variant is reported in 0.00090% of alleles in individuals of European (Non-Finnish) descent in gnomAD. At this time, the clinical significance of this variant is uncertain due to the absence of conclusive functional and genetic evidence.